The following is an entry in ClinVar:

ClinVar aggregate classification (germline): Benign/Likely benign. Review status: criteria provided, multiple submitters, no conflicts (2 of 4 stars). 3 submissions from 3 submitters: Benign (1); Likely benign (2). Last evaluated 2025-04-13.

Conditions:
Heterotaxy, visceral, 1, X-linked (HTX1). Also called: Laterality, X-linked; Visceral heterotaxia; DEXTROCARDIA WITH OTHER CARDIAC MALFORMATIONS; SITUS INVERSUS, COMPLEX CARDIAC DEFECTS, AND SPLENIC DEFECTS, X-LINKED. Identifiers: Orphanet 450, MedGen C1844020, MONDO:0010607, OMIM 306955.

Allele frequency attached by ClinVar (database versions not stated): ESP Exome Variant Server 0.00009; gnomAD exomes 0.00009 and 0.00019; gnomAD 0.00011; TOPMed 0.00012; ExAC 0.00013.

Submissions (3):

Labcorp Genetics (formerly Invitae), Labcorp
Classification: Benign for Heterotaxy, visceral, 1, X-linked. Last evaluated: 2025-04-13. Review status: criteria provided, single submitter. Criteria: Invitae Variant Classification Sherloc (09022015). Collection method: clinical testing. Allele origin: germline.

CeGaT Center for Human Genetics Tuebingen
Classification: Likely benign. Last evaluated: 2023-11-01. Review status: criteria provided, single submitter. Criteria: CeGaT Center For Human Genetics Tuebingen Variant Classification Criteria Version 2. Collection method: clinical testing. Allele origin: germline. Affected: yes. Observed: 2 variant alleles.
Comment: ZIC3: PP2, BS2

Blueprint Genetics
Classification: Likely benign. Last evaluated: 2022-01-21. Review status: criteria provided, single submitter. Criteria: ACMG Guidelines, 2015. Collection method: clinical testing. Allele origin: germline.

NM_003413.4(ZIC3):c.739A>G (p.Ile247Val)

Gene: ZIC3 (Zic family zinc finger 3; plus strand). Cytogenetic location: Xq26.3.
Variant type: single nucleotide variant.
Coding change: c.739A>G on transcript NM_003413.4 (MANE Select); coding-DNA position 739, A replaced by G.
Protein change: p.Ile247Val; replaces isoleucine 247 with valine.
Molecular consequence: missense variant.
Genome position (GRCh38, 1-based): chrX:137,567,430, A>G. VCF-style: chrX-137567430-A-G. GRCh37 (hg19) VCF-style: chrX-136649589-A-G.
Other names: c.739A>G, p.Ile247Val (NM_001330661.1); short protein forms I247V.
Identifiers: ClinVar variation 1599423 (VCV001599423.32), dbSNP rs377356678, ClinGen allele CA10529323.